The following is an entry in ClinVar:

ClinVar aggregate classification (germline): Pathogenic (1 of 4 stars; one submission).

Submission:

Labcorp Genetics (formerly Invitae), Labcorp
Classification: Pathogenic. Last evaluated: 2023-06-23. Review status: criteria provided, single submitter. Criteria: Invitae Variant Classification Sherloc (09022015). Collection method: clinical testing. Allele origin: germline.
Comment: For these reasons, this variant has been classified as Pathogenic. This variant has not been reported in the literature in individuals affected with ADGRV1-related conditions. This variant is not present in population databases (gnomAD no frequency). This sequence change creates a premature translational stop signal (p.Tyr5463Leufs*8) in the ADGRV1 gene. It is expected to result in an absent or disrupted protein product. Loss-of-function variants in ADGRV1 are known to be pathogenic (PMID: 19357117, 22135276, 22147658, 26226137, 30718709, 31047384, 32467589).

Literature cited by the submitters: PubMed 19357117; PubMed 22135276; PubMed 22147658; PubMed 26226137; PubMed 30718709; PubMed 31047384; PubMed 32467589.

NM_032119.4(ADGRV1):c.16387dup (p.Tyr5463fs)

Gene: ADGRV1 (adhesion G protein-coupled receptor V1; plus strand). Cytogenetic location: 5q14.3.
Variant type: Duplication.
Coding change: c.16387dup on transcript NM_032119.4 (MANE Select); coding-DNA position 16387, one base duplicated (T; older notation c.16387dupT).
Protein change: p.Tyr5463fs; shifts the reading frame from tyrosine 5463.
Molecular consequence: frameshift variant. On other transcripts: non-coding transcript variant (1).
Genome position (GRCh38, 1-based): chr5:90,828,962, T duplicated. VCF-style (leftmost placement, unchanged base first): chr5-90828961-G-GT. GRCh37 (hg19) VCF-style: chr5-90124778-G-GT.
Other names: short protein forms Y5463fs.
Identifiers: ClinVar variation 2723978 (VCV002723978.3), dbSNP rs2532350704, ClinGen allele CA2578360277.